The following is an entry in ClinVar:

NM_000142.5(FGFR3):c.202_204delinsT (p.Pro68fs)

Gene: FGFR3 (fibroblast growth factor receptor 3; plus strand). Cytogenetic location: 4p16.3.
Variant type: Indel.
Coding change: c.202_204delinsT on transcript NM_000142.5 (MANE Select); coding-DNA positions 202 to 204, CCC replaced by T.
Protein change: p.Pro68fs; shifts the reading frame from proline 68.
Molecular consequence: frameshift variant. On other transcripts: non-coding transcript variant (1).
Genome position (GRCh38, 1-based): chr4:1,799,346-1,799,348, CCC replaced by T. VCF-style: chr4-1799346-CCC-T. GRCh37 (hg19) VCF-style: chr4-1801073-CCC-T.
Other names: c.202_204delinsT, p.Pro68fs (NM_001163213.2, NM_001354809.2, NM_001354810.2 and 1 more transcripts); short protein forms P68fs.
Identifiers: ClinVar variation 1315100 (VCV001315100.3), dbSNP rs2108772949, ClinGen allele CA2573052316.

ClinVar aggregate classification (germline): Uncertain significance (1 of 4 stars; one submission).

Submission:

GeneDx
Classification: Uncertain significance. Last evaluated: 2025-11-03. Review status: criteria provided, single submitter. Criteria: GeneDx Variant Classification Process June 2021. Collection method: clinical testing. Allele origin: germline. Affected: yes.
Comment: Not observed at significant frequency in large population cohorts (gnomAD); Frameshift variant predicted to result in protein truncation or nonsense mediated decay in a gene or region of a gene for which loss of function is not a well-established mechanism of disease; Has not been previously published as pathogenic or benign to our knowledge